The following is an entry in ClinVar:

ClinVar aggregate classification (germline): Likely benign. Review status: criteria provided, multiple submitters, no conflicts (2 of 4 stars). 3 submissions from 3 submitters: Likely benign (3). Last evaluated 2025-09-24.

Conditions:
Bethlem myopathy 1A. Also called: Bethlem myopathy 1; Bethlem Muscular Dystrophy; MYOPATHY, BENIGN CONGENITAL, WITH CONTRACTURES. Identifiers: Orphanet 610, MedGen CN029274, MONDO:0024530, OMIM 158810.

Allele frequency attached by ClinVar (database versions not stated): gnomAD 0.00001; TOPMed 0.00002; gnomAD exomes 0.00004.
gnomAD v4.1: 23 of 1,612,974 alleles (0.0014%); highest among the groups gnomAD compares: Middle Eastern, 0.099%; 1 homozygote.

Submissions (3):

Labcorp Genetics (formerly Invitae), Labcorp
Classification: Likely benign for Bethlem myopathy 1A. Last evaluated: 2025-09-24. Review status: criteria provided, single submitter. Criteria: Invitae Variant Classification Sherloc (09022015). Collection method: clinical testing. Allele origin: germline.

Blueprint Genetics
Classification: Likely benign. Last evaluated: 2024-07-19. Review status: criteria provided, single submitter. Criteria: ACMG Guidelines, 2015. Collection method: clinical testing. Allele origin: germline.

GeneDx
Classification: Likely benign. Last evaluated: 2016-07-06. Review status: criteria provided, single submitter. Criteria: GeneDx Variant Classification (06012015). Collection method: clinical testing. Allele origin: germline. Affected: yes.
Comment: This variant is considered likely benign or benign based on one or more of the following criteria: it is a conservative change, it occurs at a poorly conserved position in the protein, it is predicted to be benign by multiple in silico algorithms, and/or has population frequency not consistent with disease.

NM_001849.4(COL6A2):c.2423-18C>T

Gene: COL6A2 (collagen type VI alpha 2 chain; plus strand). Cytogenetic location: 21q22.3.
Variant type: single nucleotide variant.
Coding change: c.2423-18C>T on transcript NM_001849.4 (MANE Select); 18 bases into the intron before coding-DNA position 2423, C replaced by T.
Molecular consequence: intron variant.
Genome position (GRCh38, 1-based): chr21:46,126,485, C>T. VCF-style: chr21-46126485-C-T. GRCh37 (hg19) VCF-style: chr21-47546399-C-T.
Other names: c.2423-18C>T (NM_058175.3, NM_058174.3).
Identifiers: ClinVar variation 387406 (VCV000387406.7), dbSNP rs866625140, ClinGen allele CA16608566.